The following is an entry in ClinVar:

NM_004006.3(DMD):c.5595del (p.Arg1865fs)

Gene: DMD (dystrophin; minus strand). Cytogenetic location: Xp21.1.
Variant type: Deletion.
Coding change: c.5595del on transcript NM_004006.3 (MANE Select); coding-DNA position 5595, one base deleted (G; older notation c.5595delG).
Protein change: p.Arg1865fs; shifts the reading frame from arginine 1865.
Molecular consequence: frameshift variant.
Genome position (GRCh38, 1-based): chrX:32,343,278, C deleted on the plus strand (G on the coding strand, the reverse complement: DMD is on the minus strand); the first of 2 consecutive C bases (chrX:32,343,278-32,343,279); deleting either gives the same sequence. VCF-style (leftmost placement, unchanged base first): chrX-32343277-AC-A. GRCh37 (hg19) VCF-style: chrX-32361394-AC-A.
Other names: c.5571del, p.Arg1857fs (NM_000109.4); c.5583del, p.Arg1861fs (NM_004009.3); c.5226del, p.Arg1742fs (NM_004010.3); c.1572del, p.Arg524fs (NM_004011.4); c.1563del, p.Arg521fs (NM_004012.4); short protein forms R524fs, R1742fs, R1865fs, R521fs, R1857fs, R1861fs.
Identifiers: ClinVar variation 500802 (VCV000500802.8), dbSNP rs1557291242, ClinGen allele CA658799688.

ClinVar aggregate classification (germline): Pathogenic. Review status: criteria provided, multiple submitters, no conflicts (2 of 4 stars). 2 submissions from 2 submitters: Pathogenic (2). Last evaluated 2024-02-22.

Conditions:
Duchenne muscular dystrophy (DMD). Also called: MUSCULAR DYSTROPHY, PSEUDOHYPERTROPHIC PROGRESSIVE, DUCHENNE TYPE; Duchenne Muscular Dystrophy (DMD). Identifiers: Orphanet 98896, MedGen C0013264, MONDO:0010679, OMIM 310200.

Submissions (2):

Labcorp Genetics (formerly Invitae), Labcorp
Classification: Pathogenic for Duchenne muscular dystrophy. Last evaluated: 2024-02-22. Review status: criteria provided, single submitter. Criteria: Invitae Variant Classification Sherloc (09022015). Collection method: clinical testing. Allele origin: germline.
Comment: This sequence change creates a premature translational stop signal (p.Arg1865Serfs*9) in the DMD gene. It is expected to result in an absent or disrupted protein product. Loss-of-function variants in DMD are known to be pathogenic (PMID: 16770791, 25007885). This variant is not present in population databases (gnomAD no frequency). This variant has not been reported in the literature in individuals affected with DMD-related conditions. ClinVar contains an entry for this variant (Variation ID: 500802). For these reasons, this variant has been classified as Pathogenic.

Eurofins Ntd Llc (ga)
Classification: Pathogenic. Last evaluated: 2017-03-13. Review status: criteria provided, single submitter. Criteria: EGL Classification Definitions 2015. Collection method: clinical testing. Allele origin: germline. Observed: 1 variant allele, 1 hemizygote.

Literature cited by the submitters: PubMed 16770791 (cited by Labcorp Genetics (formerly Invitae), Labcorp); PubMed 25007885 (cited by Labcorp Genetics (formerly Invitae), Labcorp).